The following is an entry in ClinVar:

ClinVar aggregate classification (germline): Pathogenic (1 of 4 stars; one submission).

Conditions:
Neurofibromatosis, type 1 (NF1). Also called: Peripheral type neurofibromatosis; VON RECKLINGHAUSEN DISEASE; Neurofibromatosis, type I; NEUROFIBROMATOSIS, TYPE I, SOMATIC. Identifiers: Orphanet 636, MedGen C0027831, MONDO:0018975, OMIM 162200. Disease mechanism: loss of function.

Submission:

Labcorp Genetics (formerly Invitae), Labcorp
Classification: Pathogenic for Neurofibromatosis, type 1. Last evaluated: 2024-03-15. Review status: criteria provided, single submitter. Criteria: Invitae Variant Classification Sherloc (09022015). Collection method: clinical testing. Allele origin: germline.
Comment: This sequence change creates a premature translational stop signal (p.His2240Trpfs*11) in the NF1 gene. It is expected to result in an absent or disrupted protein product. Loss-of-function variants in NF1 are known to be pathogenic (PMID: 10712197, 23913538). This variant is not present in population databases (gnomAD no frequency). This variant has not been reported in the literature in individuals affected with NF1-related conditions. For these reasons, this variant has been classified as Pathogenic.

Literature cited by the submitters: PubMed 10712197; PubMed 23913538.

NM_001042492.3(NF1):c.6780_6781del (p.His2261fs)

Gene: NF1 (neurofibromin 1; plus strand). Cytogenetic location: 17q11.2.
Variant type: Microsatellite.
Coding change: c.6780_6781del on transcript NM_001042492.3 (MANE Select); coding-DNA positions 6780 to 6781, 2 bases deleted (TC; older notation c.6780_6781delTC).
Protein change: p.His2261fs; shifts the reading frame from histidine 2261.
Molecular consequence: frameshift variant.
Genome position (GRCh38, 1-based): chr17:31,338,100-31,338,101, TC deleted; deleting any 2 consecutive bases within chr17:31,338,098-31,338,101 gives the same sequence; the c. name uses the placement nearest the transcript's 3' end. VCF-style (leftmost placement, unchanged base first): chr17-31338097-GTC-G. GRCh37 (hg19) VCF-style: chr17-29665115-GTC-G.
Other names: c.6715_6716TC[1], p.His2240Trpfs (NM_000267.4); short protein forms H2240fs, H2261fs.
Identifiers: ClinVar variation 3646090 (VCV003646090.2).
Genomic context (GRCh38, chr17:31,338,097, plus strand): 5'-ATATAATCCATCCCTGCAACCAAGAGCTCTTGTTGTCTTTGGGTGTATTAGCAAACGAGT[GTC>G]TCATGGGCAGATAAAGCAGATAATCCGTATTCTTAGCAAGGTACCTGTTCCGCCCTCACT-3'